The following is an entry in ClinVar:

NM_000138.5(FBN1):c.2480C>G (p.Ser827Cys)

Gene: FBN1 (fibrillin 1; minus strand). Cytogenetic location: 15q21.1.
Variant type: single nucleotide variant.
Coding change: c.2480C>G on transcript NM_000138.5 (MANE Select); coding-DNA position 2480, C replaced by G.
Protein change: p.Ser827Cys; replaces serine 827 with cysteine.
Molecular consequence: missense variant.
Genome position (GRCh38, 1-based): chr15:48,495,528, G>C on the plus strand (C>G on the coding strand, the complement: FBN1 is on the minus strand). VCF-style: chr15-48495528-G-C. GRCh37 (hg19) VCF-style: chr15-48787725-G-C.
Other names: short protein forms S827C.
Identifiers: ClinVar variation 1349036 (VCV001349036.6), dbSNP rs375382957, ClinGen allele CA392334482.
Genomic context (GRCh38, chr15:48,495,528, plus strand): 5'-CCTATGCAGATGGTTTTTGTTGGATCCAAAGTACTTTCAGAAGAACATTCACAAATAAAA[G>C]AGCCTGGGCTGTTCTTGCAGACTCCATTAATGCAAGGACTTGATTCGCATTCATCAATGT-3'
Protein context (NP_000129.3, residues 817-837): INGVCKNSPG[Ser827Cys]FICECSSEST

ClinVar aggregate classification (germline): Uncertain significance (1 of 4 stars; one submission).

Conditions:
Marfan syndrome (MFS). Also called: Marfan syndrome type 1; Marfan's syndrome; FBN1-Related Marfan Syndrome; MARFAN SYNDROME, TYPE I; Marfan syndrome, classic. Identifiers: Orphanet 284963, Orphanet 558, MedGen C0024796, MONDO:0007947, OMIM 154700.
Familial thoracic aortic aneurysm and aortic dissection (TAAD). Also called: Thoracic aortic aneurysms and dissections. Identifiers: Orphanet 91387, MedGen C4707243, MONDO:0019625.

Allele frequency attached by ClinVar (database versions not stated): gnomAD exomes below 0.00001.
gnomAD v4.1: 4 of 1,614,010 alleles (0.00025%); highest among the groups gnomAD compares: Non-Finnish European, 0.00034%; no homozygotes.

Submission:

Labcorp Genetics (formerly Invitae), Labcorp
Classification: Uncertain significance for Marfan syndrome; Familial thoracic aortic aneurysm and aortic dissection. Last evaluated: 2021-12-07. Review status: criteria provided, single submitter. Criteria: Invitae Variant Classification Sherloc (09022015). Collection method: clinical testing. Allele origin: germline.
Comment: In summary, the available evidence is currently insufficient to determine the role of this variant in disease. Therefore, it has been classified as a Variant of Uncertain Significance. Advanced modeling of protein sequence and biophysical properties (such as structural, functional, and spatial information, amino acid conservation, physicochemical variation, residue mobility, and thermodynamic stability) performed at Invitae indicates that this missense variant is expected to disrupt FBN1 protein function. This missense change has been observed in individual(s) with clinical features of FBN1-related conditions (Invitae). This variant is not present in population databases (gnomAD no frequency). This sequence change replaces serine, which is neutral and polar, with cysteine, which is neutral and slightly polar, at codon 827 of the FBN1 protein (p.Ser827Cys).